The following is an entry in ClinVar:

ClinVar aggregate classification (germline): Likely benign. Review status: criteria provided, multiple submitters, no conflicts (2 of 4 stars). 3 submissions from 3 submitters: Likely benign (2). 1 of the submissions does not count toward it. Last evaluated 2024-06-27.

Conditions:
Ectodermal dysplasia and immunodeficiency 2. Identifiers: Orphanet 238468, Orphanet 98813, MedGen C2677481, MONDO:0012806, OMIM 612132.
NFKBIA-related disorder. Also called: NFKBIA-related condition.

Allele frequency attached by ClinVar (database versions not stated): gnomAD 0.00001; gnomAD exomes 0.00001 and 0.00002; TOPMed 0.00001; ExAC 0.00002.

Submissions (3):

Blueprint Genetics
Classification: Likely benign. Last evaluated: 2024-06-27. Review status: criteria provided, single submitter. Criteria: ACMG Guidelines, 2015. Collection method: clinical testing. Allele origin: germline.

Labcorp Genetics (formerly Invitae), Labcorp
Classification: Likely benign for Ectodermal dysplasia and immunodeficiency 2. Last evaluated: 2024-06-22. Review status: criteria provided, single submitter. Criteria: Invitae Variant Classification Sherloc (09022015). Collection method: clinical testing. Allele origin: germline.

PreventionGenetics, part of Exact Sciences
Classification: Likely benign for NFKBIA-related condition. Last evaluated: 2023-11-27. Review status: no assertion criteria provided. Collection method: clinical testing. Allele origin: germline. Not counted in ClinVar's aggregate classification.
Comment: This variant is classified as likely benign based on ACMG/AMP sequence variant interpretation guidelines (Richards et al. 2015 PMID: 25741868, with internal and published modifications).

NM_020529.3(NFKBIA):c.948G>A (p.Thr316=)

Gene: NFKBIA (NFKB inhibitor alpha; minus strand). Cytogenetic location: 14q13.2.
Variant type: single nucleotide variant.
Coding change: c.948G>A on transcript NM_020529.3 (MANE Select); coding-DNA position 948, G replaced by A.
Protein change: p.Thr316=; no amino-acid change (threonine 316 retained).
Molecular consequence: synonymous variant.
Genome position (GRCh38, 1-based): chr14:35,402,019, C>T on the plus strand (G>A on the coding strand, the complement: NFKBIA is on the minus strand). VCF-style: chr14-35402019-C-T. GRCh37 (hg19) VCF-style: chr14-35871225-C-T.
Other names: c.948G>A (NM_020529.2).
Identifiers: ClinVar variation 1581357 (VCV001581357.11), dbSNP rs772630322, ClinGen allele CA7155296.